The following is an entry in ClinVar:

ClinVar aggregate classification (germline): Uncertain significance (1 of 4 stars; one submission).

Conditions:
Houge-Janssens syndrome 1. Also called: INTELLECTUAL DEVELOPMENTAL DISORDER, AUTOSOMAL DOMINANT 35; Intellectual disability-macrocephaly-hypotonia-behavioral abnormalities syndrome; Hogue-Janssens syndrome 1; PPP2R5D-Related Neurodevelopmental Disorder. Identifiers: Orphanet 457279, MedGen C5779996, MONDO:0014602, OMIM 616355.
Neurodevelopmental delay. Identifiers: MedGen C4022738, HP:0012758.

Allele frequency attached by ClinVar (database versions not stated): gnomAD exomes below 0.00001 and 0.00001; gnomAD 0.00001; TOPMed 0.00001.
gnomAD v4.1: 10 of 1,613,958 alleles (0.00062%); highest among the groups gnomAD compares: Non-Finnish European, 0.00085%; no homozygotes.

Submission:

Baylor Genetics
Classification: Uncertain significance for Houge-Janssens syndrome 1. Last evaluated: 2019-08-06. Review status: criteria provided, single submitter. Criteria: ACMG Guidelines, 2015. Collection method: clinical testing. Allele origin: maternal. Affected: yes.
Comment: This variant was determined to be of uncertain significance according to ACMG Guidelines, 2015 [PMID:25741868].

NM_006245.4(PPP2R5D):c.1762C>T (p.His588Tyr)

Genes: MEA1 (male-enhanced antigen 1; minus strand), PPP2R5D (protein phosphatase 2 regulatory subunit B'delta; plus strand). Cytogenetic location: 6p21.1.
Variant type: single nucleotide variant.
Coding change: c.1762C>T on transcript NM_006245.4 (MANE Select); coding-DNA position 1762, C replaced by T.
Protein change: p.His588Tyr; replaces histidine 588 with tyrosine.
Molecular consequence: missense variant. On other transcripts: 3 prime UTR variant (1).
Genome position (GRCh38, 1-based): chr6:43,011,239, C>T. VCF-style: chr6-43011239-C-T. GRCh37 (hg19) VCF-style: chr6-42978977-C-T.
Other names: c.*1231G>A (NM_014623.4); c.1309C>T, p.His437Tyr (NM_001270476.2); c.1666C>T, p.His556Tyr (NM_180976.3); c.1444C>T, p.His482Tyr (NM_180977.3); short protein forms H556Y, H482Y, H588Y, H437Y.
Identifiers: ClinVar variation 1028495 (VCV001028495.3), dbSNP rs1363040405, ClinGen allele CA364142815.